The following is an entry in ClinVar:

NM_000537.4(REN):c.707A>C (p.Gln236Pro)

Gene: REN (renin; minus strand). Cytogenetic location: 1q32.1.
Variant type: single nucleotide variant.
Coding change: c.707A>C on transcript NM_000537.4 (MANE Select); coding-DNA position 707, A replaced by C.
Protein change: p.Gln236Pro; replaces glutamine 236 with proline.
Molecular consequence: missense variant.
Genome position (GRCh38, 1-based): chr1:204,156,788, T>G on the plus strand (A>C on the coding strand, the complement: REN is on the minus strand). VCF-style: chr1-204156788-T-G. GRCh37 (hg19) VCF-style: chr1-204125916-T-G.
Other names: short protein forms Q236P.
Identifiers: ClinVar variation 4739269 (VCV004739269.1).

ClinVar aggregate classification (germline): Uncertain significance (1 of 4 stars; one submission).

Submission:

Labcorp Genetics (formerly Invitae), Labcorp
Classification: Uncertain significance. Last evaluated: 2025-04-11. Review status: criteria provided, single submitter. Criteria: Invitae Variant Classification Sherloc (09022015). Collection method: clinical testing. Allele origin: germline.
Comment: This sequence change replaces glutamine, which is neutral and polar, with proline, which is neutral and non-polar, at codon 236 of the REN protein (p.Gln236Pro). This variant is present in population databases (rs140468858, gnomAD 0.0009%). This variant has not been reported in the literature in individuals affected with REN-related conditions. An algorithm developed to predict the effect of missense changes on protein structure and function (PolyPhen-2) suggests that this variant is likely to be tolerated. In summary, the available evidence is currently insufficient to determine the role of this variant in disease. Therefore, it has been classified as a Variant of Uncertain Significance.